The following is an entry in ClinVar:

NM_000037.4(ANK1):c.923C>G (p.Pro308Arg)

Gene: ANK1 (ankyrin 1; minus strand). Cytogenetic location: 8p11.21.
Variant type: single nucleotide variant.
Coding change: c.923C>G on transcript NM_000037.4 (MANE Select); coding-DNA position 923, C replaced by G.
Protein change: p.Pro308Arg; replaces proline 308 with arginine.
Molecular consequence: missense variant.
Genome position (GRCh38, 1-based): chr8:41,719,845, G>C on the plus strand (C>G on the coding strand, the complement: ANK1 is on the minus strand). VCF-style: chr8-41719845-G-C. GRCh37 (hg19) VCF-style: chr8-41577363-G-C.
Other names: c.1022C>G, p.Pro341Arg (NM_001142446.2); c.923C>G, p.Pro308Arg (NM_020475.3, NM_020476.3, NM_020477.3); short protein forms P341R, P308R.
Identifiers: ClinVar variation 3657907 (VCV003657907.2).

ClinVar aggregate classification (germline): Uncertain significance (1 of 4 stars; one submission).

Submission:

Labcorp Genetics (formerly Invitae), Labcorp
Classification: Uncertain significance. Last evaluated: 2025-06-24. Review status: criteria provided, single submitter. Criteria: Invitae Variant Classification Sherloc (09022015). Collection method: clinical testing. Allele origin: germline.
Comment: This sequence change replaces proline, which is neutral and non-polar, with arginine, which is basic and polar, at codon 308 of the ANK1 protein (p.Pro308Arg). This variant is not present in population databases (gnomAD no frequency). This variant has not been reported in the literature in individuals affected with ANK1-related conditions. ClinVar contains an entry for this variant (Variation ID: 3657907). Invitae Evidence Modeling of protein sequence and biophysical properties (such as structural, functional, and spatial information, amino acid conservation, physicochemical variation, residue mobility, and thermodynamic stability) has been performed for this missense variant. However, the output from this modeling did not meet the statistical confidence thresholds required to predict the impact of this variant on ANK1 protein function. In summary, the available evidence is currently insufficient to determine the role of this variant in disease. Therefore, it has been classified as a Variant of Uncertain Significance.